The following is an entry in ClinVar:

NM_001035.3(RYR2):c.11457G>A (p.Met3819Ile)

Gene: RYR2 (ryanodine receptor 2; plus strand). Cytogenetic location: 1q43.
Variant type: single nucleotide variant.
Coding change: c.11457G>A on transcript NM_001035.3 (MANE Select); coding-DNA position 11457, G replaced by A.
Protein change: p.Met3819Ile; replaces methionine 3819 with isoleucine.
Molecular consequence: missense variant.
Genome position (GRCh38, 1-based): chr1:237,761,009, G>A. VCF-style: chr1-237761009-G-A. GRCh37 (hg19) VCF-style: chr1-237924309-G-A.
Other names: short protein forms M3819I.
Identifiers: ClinVar variation 165123 (VCV000165123.5), dbSNP rs727503405, ClinGen allele CA007028.

ClinVar aggregate classification (germline): Uncertain significance (1 of 4 stars; one submission).

Submission:

Laboratory for Molecular Medicine, Mass General Brigham Personalized Medicine
Classification: Uncertain significance. Last evaluated: 2013-10-04. Review status: criteria provided, single submitter. Criteria: LMM Criteria. Collection method: clinical testing. Allele origin: germline. Observed: 1 variant allele.
Comment: The Met3819Ile variant in RYR2 has not been previously reported in individuals w ith cardiomyopathy or in large population studies. Computational analyses (bioch emical amino acid properties, conservation, AlignGVGD, PolyPhen2, and SIFT) do n ot provide strong support for or against an impact to the protein. Additional in formation is needed to fully assess the clinical significance of the Met3819Ile variant.